The following is an entry in ClinVar:

Conditions:
Breast-ovarian cancer, familial, susceptibility to, 1 (BROVCA1). Also called: BRCA1 Hereditary Breast and Ovarian Cancer; OVARIAN CANCER, SUSCEPTIBILITY TO. Identifiers: Orphanet 145, MedGen C2676676, MONDO:0011450, OMIM 604370. Disease mechanism: loss of function.

Submission:

Brotman Baty Institute, University of Washington
No classification provided (evidence only). Condition: Breast-ovarian cancer, familial 1. Review status: no classification provided. Collection method: in vitro. Allele origin: not applicable. Functional consequence: functionally_normal.
ClinVar note: "not provided" was previously submitted as the classification for the variant. However, the classification appeared to be based only on an observation of functional data so it was converted to no classification on 2025-07-30.

NM_007294.4(BRCA1):c.5341G>C (p.Glu1781Gln)

Gene: BRCA1 (BRCA1 DNA repair associated; minus strand). Cytogenetic location: 17q21.31.
Variant type: single nucleotide variant.
Coding change: c.5341G>C on transcript NM_007294.4 (MANE Select); coding-DNA position 5341, G replaced by C.
Protein change: p.Glu1781Gln; replaces glutamic acid 1781 with glutamine.
Molecular consequence: missense variant. On other transcripts: non-coding transcript variant (1), intron variant (1).
Genome position (GRCh38, 1-based): chr17:43,049,186, C>G on the plus strand (G>C on the coding strand, the complement: BRCA1 is on the minus strand). VCF-style: chr17-43049186-C-G. GRCh37 (hg19) VCF-style: chr17-41201203-C-G.
Other names: c.5194G>C, p.Glu1732Gln (NM_001407843.1, NM_001407844.1, NM_001407838.1 and 12 more transcripts); c.5128G>C, p.Glu1710Gln (NM_001407902.1, NM_001407904.1, NM_001407906.1 and 12 more transcripts); c.5125G>C, p.Glu1709Gln (NM_001407915.1, NM_001407916.1, NM_001407917.1 and 1 more transcripts); c.5002G>C, p.Glu1668Gln (NM_001407956.1, NM_001407957.1, NM_001407958.1); c.4960G>C, p.Glu1654Gln (NM_001407959.1); c.4957G>C, p.Glu1653Gln (NM_001407960.1, NM_001407962.1); c.4954G>C, p.Glu1652Gln (NM_001407963.1); c.4879G>C, p.Glu1627Gln (NM_001407964.1); and 73 more; short protein forms E1734Q, E1802Q, E1781Q, E677Q, E1485Q, E1627Q, E1652Q, E1712Q.
Identifiers: ClinVar variation 868023 (VCV000868023.3), dbSNP rs397509268, ClinGen allele CA10590782.